The following is an entry in ClinVar:

NM_000020.3(ACVRL1):c.210_213delinsAAA (p.Leu72fs)

Gene: ACVRL1 (activin A receptor like type 1; plus strand). Cytogenetic location: 12q13.13.
Variant type: Indel.
Coding change: c.210_213delinsAAA on transcript NM_000020.3 (MANE Select); coding-DNA positions 210 to 213, GAAC replaced by AAA.
Protein change: p.Leu72fs; shifts the reading frame from leucine 72.
Molecular consequence: frameshift variant.
Genome position (GRCh38, 1-based): chr12:51,913,247-51,913,250, GAAC replaced by AAA. VCF-style: chr12-51913247-GAAC-AAA. GRCh37 (hg19) VCF-style: chr12-52307031-GAAC-AAA.
Other names: c.210_213delinsAAA, p.Leu72fs (NM_001077401.2); c.210_213delGAACinsAAA, p.Leu72Cysfs (NM_001406487.1, NM_001406488.1, NM_001406489.1 and 5 more transcripts); short protein forms L72fs.
Identifiers: ClinVar variation 1785897 (VCV001785897.2), dbSNP rs2540158812, ClinGen allele CA2580086440.

ClinVar aggregate classification (germline): Pathogenic (1 of 4 stars; one submission).

Conditions:
Cardiovascular phenotype. Identifiers: MedGen CN230736.

Submission:

Ambry Genetics
Classification: Pathogenic for Cardiovascular phenotype. Last evaluated: 2020-01-17. Review status: criteria provided, single submitter. Criteria: Ambry Variant Classification Scheme 2023. Collection method: clinical testing. Allele origin: germline.
Comment: The c.210_213delGAACinsAAA pathogenic mutation, located in coding exon 2 of the ACVRL1 gene, results from the deletion of 4 nucleotides and insertion of 3 nucleotides causing a translational frameshift with a predicted alternate stop codon (p.L72Cfs*50). In one study, a single nucleotide deletion also predicted to result in p.L72Cfs*50 (c.215delT) was identified in an individual with epistaxis and telangiectasias (Wehner LE et al. Clin. Genet. 2006; 69:239-45).This alteration is expected to result in loss of function by premature protein truncation or nonsense-mediated mRNA decay. As such, this alteration is interpreted as a disease-causing mutation.

Literature cited by the submitters: PubMed 16542389.